The following is an entry in ClinVar:

NM_001395656.1(ROBO2):c.1861+15T>C

Gene: ROBO2 (roundabout guidance receptor 2; plus strand). Cytogenetic location: 3p12.3.
Variant type: single nucleotide variant.
Coding change: c.1861+15T>C on transcript NM_001395656.1 (MANE Select); 15 bases into the intron after coding-DNA position 1861, T replaced by C.
Molecular consequence: intron variant.
Genome position (GRCh38, 1-based): chr3:77,565,135, T>C. VCF-style: chr3-77565135-T-C. GRCh37 (hg19) VCF-style: chr3-77614286-T-C.
Other names: c.1909+15T>C (NM_001378191.1, NM_001378195.1, NM_001378196.1 and 4 more transcripts); c.1897+15T>C (NM_001128929.3); c.1930+15T>C (NM_001394213.1, NM_001378192.1, NM_001378198.1 and 2 more transcripts); c.1918+15T>C (NM_001394212.1, NM_001395657.1, NM_001394214.1); c.1861+15T>C (NM_001290040.2, NM_001290039.2, NM_001378202.1); c.70+15T>C (NM_001290065.2); c.1849+15T>C (NM_001378197.1, NM_001378193.1, NM_002942.5).
Identifiers: ClinVar variation 346692 (VCV000346692.7), dbSNP rs770007839, ClinGen allele CA2497171.

ClinVar aggregate classification (germline): Likely benign. Review status: criteria provided, multiple submitters, no conflicts (2 of 4 stars). 2 submissions from 2 submitters: Likely benign (2). Last evaluated 2021-09-14.

Conditions:
Vesicoureteral reflux 2 (VUR2). Identifiers: Orphanet 289365, MedGen C1970483, MONDO:0012573, OMIM 610878.

Allele frequency attached by ClinVar (database versions not stated): gnomAD 0.00003 and 0.00004; TOPMed 0.00005.
gnomAD v4.1: 47 of 1,613,204 alleles (0.0029%); highest among the groups gnomAD compares: Non-Finnish European, 0.0036%; no homozygotes.

Submissions (2):

Fulgent Genetics
Classification: Likely benign for Vesicoureteral reflux 2. Last evaluated: 2021-09-14. Review status: criteria provided, single submitter. Criteria: ACMG Guidelines, 2015. Collection method: clinical testing. Allele origin: unknown.

Illumina Laboratory Services, Illumina
Classification: Likely benign for Vesicoureteral reflux 2. Last evaluated: 2018-01-13. Review status: criteria provided, single submitter. Criteria: ICSL Variant Classification Criteria 13 December 2019. Collection method: clinical testing. Allele origin: germline.
Comment: This variant was observed in the ICSL laboratory as part of a predisposition screen in an ostensibly healthy population. It had not been previously curated by ICSL or reported in the Human Gene Mutation Database (HGMD: prior to June 1st, 2018), and was therefore a candidate for classification through an automated scoring system. Utilizing variant allele frequency, disease prevalence and penetrance estimates, and inheritance mode, an automated score was calculated to assess if this variant is too frequent to cause the disease. Based on the score and internal cut-off values, a variant classified as likely benign is not then subjected to further curation. The score for this variant resulted in a classification of likely benign for this disease.